The following is an entry in ClinVar:

ClinVar aggregate classification (germline): Uncertain significance (1 of 4 stars; one submission).

Allele frequency attached by ClinVar (database versions not stated): gnomAD exomes below 0.00001.
gnomAD v4.1: 1 of 1,614,106 alleles (0.000062%); highest among the groups gnomAD compares: Non-Finnish European, 0.000085%; no homozygotes.

Submission:

Ambry Genetics
Classification: Uncertain significance. Last evaluated: 2024-05-09. Review status: criteria provided, single submitter. Criteria: Ambry Variant Classification Scheme 2023. Collection method: clinical testing. Allele origin: germline.
Comment: The p.E151K variant (also known as c.451G>A), located in coding exon 3 of the ALPK2 gene, results from a G to A substitution at nucleotide position 451. The glutamic acid at codon 151 is replaced by lysine, an amino acid with similar properties. This amino acid position is conserved. In addition, this alteration is predicted to be tolerated by in silico analysis. Since supporting evidence is limited at this time, the clinical significance of this alteration remains unclear.

NM_052947.4(ALPK2):c.451G>A (p.Glu151Lys)

Gene: ALPK2 (alpha kinase 2; minus strand). Cytogenetic location: 18q21.31.
Variant type: single nucleotide variant.
Coding change: c.451G>A on transcript NM_052947.4 (MANE Select); coding-DNA position 451, G replaced by A.
Protein change: p.Glu151Lys; replaces glutamic acid 151 with lysine.
Molecular consequence: missense variant.
Genome position (GRCh38, 1-based): chr18:58,580,325, C>T on the plus strand (G>A on the coding strand, the complement: ALPK2 is on the minus strand). VCF-style: chr18-58580325-C-T. GRCh37 (hg19) VCF-style: chr18-56247557-C-T.
Other names: short protein forms E151K.
Identifiers: ClinVar variation 1741200 (VCV001741200.3), dbSNP rs2051951491, ClinGen allele CA402567940.